The following is an entry in ClinVar:

ClinVar aggregate classification (germline): Uncertain significance (1 of 4 stars; one submission).

gnomAD v4.1: 3 of 1,613,174 alleles (0.00019%); highest among the groups gnomAD compares: Admixed American, 0.005%; no homozygotes.

Submission:

Labcorp Genetics (formerly Invitae), Labcorp
Classification: Uncertain significance. Last evaluated: 2025-05-06. Review status: criteria provided, single submitter. Criteria: Invitae Variant Classification Sherloc (09022015). Collection method: clinical testing. Allele origin: germline.
Comment: This sequence change replaces serine, which is neutral and polar, with arginine, which is basic and polar, at codon 111 of the MTMR14 protein (p.Ser111Arg). This variant is present in population databases (no rsID available, gnomAD 0.009%). This variant has not been reported in the literature in individuals affected with MTMR14-related conditions. ClinVar contains an entry for this variant (Variation ID: 3611325). Invitae Evidence Modeling of protein sequence and biophysical properties (such as structural, functional, and spatial information, amino acid conservation, physicochemical variation, residue mobility, and thermodynamic stability) indicates that this missense variant is not expected to disrupt MTMR14 protein function with a negative predictive value of 80%. In summary, the available evidence is currently insufficient to determine the role of this variant in disease. Therefore, it has been classified as a Variant of Uncertain Significance.

NM_001077525.3(MTMR14):c.333C>G (p.Ser111Arg)

Gene: MTMR14 (myotubularin related protein 14; plus strand). Cytogenetic location: 3p25.3.
Variant type: single nucleotide variant.
Coding change: c.333C>G on transcript NM_001077525.3 (MANE Select); coding-DNA position 333, C replaced by G.
Protein change: p.Ser111Arg; replaces serine 111 with arginine.
Molecular consequence: missense variant. On other transcripts: 5 prime UTR variant (13), non-coding transcript variant (7), intron variant (8).
Genome position (GRCh38, 1-based): chr3:9,662,291, C>G. VCF-style: chr3-9662291-C-G. GRCh37 (hg19) VCF-style: chr3-9703975-C-G.
Other names: c.333C>G, p.Ser111Arg (NM_001077526.3, NM_001400519.1, NM_001400520.1 and 4 more transcripts); c.402C>G, p.Ser134Arg (NM_001400518.1, NM_001400521.1, NM_001400526.1); c.51C>G, p.Ser17Arg (NM_001400525.1, NM_001400529.1, NM_001400532.1 and 1 more transcripts); c.-173C>G (NM_001400533.1, NM_001400535.1, NM_001400539.1 and 1 more transcripts); c.-234C>G (NM_001400534.1, NM_001400538.1, NM_001400541.1 and 3 more transcripts); c.-246C>G (NM_001400544.1); c.-383C>G (NM_001400547.1); c.-307C>G (NM_001400548.1); and 4 more; short protein forms S111R, S134R, S17R.
Identifiers: ClinVar variation 3611325 (VCV003611325.2).